The following is an entry in ClinVar:

NM_014989.7(RIMS1):c.1096G>A (p.Val366Met)

Gene: RIMS1 (regulating synaptic membrane exocytosis 1; plus strand). Cytogenetic location: 6q13.
Variant type: single nucleotide variant.
Coding change: c.1096G>A on transcript NM_014989.7 (MANE Select); coding-DNA position 1096, G replaced by A.
Protein change: p.Val366Met; replaces valine 366 with methionine.
Molecular consequence: missense variant.
Genome position (GRCh38, 1-based): chr6:72,182,567, G>A. VCF-style: chr6-72182567-G-A. GRCh37 (hg19) VCF-style: chr6-72892270-G-A.
Other names: short protein forms V366M.
Identifiers: ClinVar variation 1017156 (VCV001017156.8), dbSNP rs1375315005, ClinGen allele CA364820249.

ClinVar aggregate classification (germline): Uncertain significance (1 of 4 stars; one submission).

Allele frequency attached by ClinVar (database versions not stated): gnomAD 0.00001; TOPMed 0.00003.
gnomAD v4.1: 2 of 1,550,200 alleles (0.00013%); highest among the groups gnomAD compares: African/African-American, 0.0027%; no homozygotes.

Submission:

Labcorp Genetics (formerly Invitae), Labcorp
Classification: Uncertain significance. Last evaluated: 2022-06-13. Review status: criteria provided, single submitter. Criteria: Invitae Variant Classification Sherloc (09022015). Collection method: clinical testing. Allele origin: germline.
Comment: In summary, the available evidence is currently insufficient to determine the role of this variant in disease. Therefore, it has been classified as a Variant of Uncertain Significance. Algorithms developed to predict the effect of missense changes on protein structure and function are either unavailable or do not agree on the potential impact of this missense change (SIFT: "Deleterious"; PolyPhen-2: "Possibly Damaging"; Align-GVGD: "Class C0"). ClinVar contains an entry for this variant (Variation ID: 1017156). This missense change has been observed in individual(s) with clinical features of RIMS1-related conditions (Invitae). This variant is not present in population databases (gnomAD no frequency). This sequence change replaces valine, which is neutral and non-polar, with methionine, which is neutral and non-polar, at codon 366 of the RIMS1 protein (p.Val366Met).